The following is an entry in ClinVar:

ClinVar aggregate classification (germline): Uncertain significance. Review status: criteria provided, multiple submitters, no conflicts (2 of 4 stars). 3 submissions from 3 submitters: Uncertain significance (3). Last evaluated 2024-10-31.

Conditions:
Joubert syndrome. Also called: JOUBERT-BOLTSHAUSER SYNDROME; Familial aplasia of the vermis. Identifiers: Orphanet 475, MedGen C5979921, MONDO:0018772.
Meckel-Gruber syndrome. Also called: DYSENCEPHALIA SPLANCHNOCYSTICA; GRUBER SYNDROME; Dysencephalia splachnocystica. Identifiers: Orphanet 564, MedGen C0265215, MONDO:0018921.

Allele frequency attached by ClinVar (database versions not stated): gnomAD 0.00001; gnomAD exomes 0.00002 and 0.00003; ExAC 0.00009; 1000 Genomes Project 0.00020; 1000 Genomes Project 30x 0.00031.
gnomAD v4.1: 27 of 1,598,538 alleles (0.0017%); highest among the groups gnomAD compares: Non-Finnish European, 0.0022%; no homozygotes.

Submissions (3):

Blueprint Genetics
Classification: Uncertain significance. Last evaluated: 2024-10-31. Review status: criteria provided, single submitter. Criteria: ACMG Guidelines, 2015. Collection method: clinical testing. Allele origin: germline.

Labcorp Genetics (formerly Invitae), Labcorp
Classification: Uncertain significance for Joubert syndrome; Meckel-Gruber syndrome. Last evaluated: 2022-10-04. Review status: criteria provided, single submitter. Criteria: Invitae Variant Classification Sherloc (09022015). Collection method: clinical testing. Allele origin: germline.
Comment: This sequence change replaces serine, which is neutral and polar, with leucine, which is neutral and non-polar, at codon 672 of the CC2D2A protein (p.Ser672Leu). The frequency data for this variant in the population databases is considered unreliable, as metrics indicate poor data quality at this position in the gnomAD database. This variant has not been reported in the literature in individuals affected with CC2D2A-related conditions. ClinVar contains an entry for this variant (Variation ID: 1489775). Advanced modeling of protein sequence and biophysical properties (such as structural, functional, and spatial information, amino acid conservation, physicochemical variation, residue mobility, and thermodynamic stability) performed at Invitae indicates that this missense variant is not expected to disrupt CC2D2A protein function. In summary, the available evidence is currently insufficient to determine the role of this variant in disease. Therefore, it has been classified as a Variant of Uncertain Significance.

Breakthrough Genomics
Classification: Uncertain significance. Review status: criteria provided, single submitter. Criteria: ACMG Guidelines, 2015. Collection method: not provided. Allele origin: germline. Inheritance: Autosomal recessive inheritance. Affected: yes.

NM_001378615.1(CC2D2A):c.2015C>T (p.Ser672Leu)

Genes: CC2D2A (coiled-coil and C2 domain containing 2A; plus strand), FBXL5 (F-box and leucine rich repeat protein 5; minus strand). Cytogenetic location: 4p15.32.
Variant type: single nucleotide variant.
Coding change: c.2015C>T on transcript NM_001378615.1 (MANE Select); coding-DNA position 2015, C replaced by T.
Protein change: p.Ser672Leu; replaces serine 672 with leucine.
Molecular consequence: missense variant.
Genome position (GRCh38, 1-based): chr4:15,540,848, C>T. VCF-style: chr4-15540848-C-T. GRCh37 (hg19) VCF-style: chr4-15542471-C-T.
Other names: c.2015C>T, p.Ser672Leu (NM_001080522.2); c.1868C>T, p.Ser623Leu (NM_001378617.1); short protein forms S623L, S672L.
Identifiers: ClinVar variation 1489775 (VCV001489775.5), dbSNP rs529497661, ClinGen allele CA2863825.